The following is an entry in ClinVar:

ClinVar aggregate classification (germline): Uncertain significance (1 of 4 stars; one submission).

Conditions:
Early Myoclonic Encephalopathy. Identifiers: MedGen C0270855.

Allele frequency attached by ClinVar (database versions not stated): TOPMed below 0.00001; ExAC 0.00001; gnomAD exomes 0.00001 and 0.00002; gnomAD 0.00001.
gnomAD v4.1: 7 of 1,613,774 alleles (0.00043%); highest among the groups gnomAD compares: Non-Finnish European, 0.00051%; no homozygotes.

Submission:

Labcorp Genetics (formerly Invitae), Labcorp
Classification: Uncertain significance for Early Myoclonic Encephalopathy. Last evaluated: 2024-06-10. Review status: criteria provided, single submitter. Criteria: Invitae Variant Classification Sherloc (09022015). Collection method: clinical testing. Allele origin: germline.
Comment: This sequence change replaces proline, which is neutral and non-polar, with serine, which is neutral and polar, at codon 935 of the JMJD1C protein (p.Pro935Ser). This variant is present in population databases (rs765022454, gnomAD 0.004%). This variant has not been reported in the literature in individuals affected with JMJD1C-related conditions. ClinVar contains an entry for this variant (Variation ID: 1063346). Advanced modeling of protein sequence and biophysical properties (such as structural, functional, and spatial information, amino acid conservation, physicochemical variation, residue mobility, and thermodynamic stability) performed at Invitae indicates that this missense variant is not expected to disrupt JMJD1C protein function with a negative predictive value of 80%. In summary, the available evidence is currently insufficient to determine the role of this variant in disease. Therefore, it has been classified as a Variant of Uncertain Significance.

NM_032776.3(JMJD1C):c.2803C>T (p.Pro935Ser)

Gene: JMJD1C (jumonji domain containing 1C; minus strand). Cytogenetic location: 10q21.3.
Variant type: single nucleotide variant.
Coding change: c.2803C>T on transcript NM_032776.3 (MANE Select); coding-DNA position 2803, C replaced by T.
Protein change: p.Pro935Ser; replaces proline 935 with serine.
Molecular consequence: missense variant. On other transcripts: non-coding transcript variant (1).
Genome position (GRCh38, 1-based): chr10:63,209,127, G>A on the plus strand (C>T on the coding strand, the complement: JMJD1C is on the minus strand). VCF-style: chr10-63209127-G-A. GRCh37 (hg19) VCF-style: chr10-64968887-G-A.
Other names: c.2257C>T, p.Pro753Ser (NM_001282948.2, NM_001318154.2); c.1939C>T, p.Pro647Ser (NM_001318153.2); c.2689C>T, p.Pro897Ser (NM_001322252.2); c.2146C>T, p.Pro716Ser (NM_001322254.2, NM_001322258.2); short protein forms P647S, P716S, P753S, P897S, P935S.
Identifiers: ClinVar variation 1063346 (VCV001063346.9), dbSNP rs765022454, ClinGen allele CA5518558.